The following is an entry in ClinVar:

NM_022168.4(IFIH1):c.2810A>G (p.Glu937Gly)

Gene: IFIH1 (interferon induced with helicase C domain 1; minus strand). Cytogenetic location: 2q24.2.
Variant type: single nucleotide variant.
Coding change: c.2810A>G on transcript NM_022168.4 (MANE Select); coding-DNA position 2810, A replaced by G.
Protein change: p.Glu937Gly; replaces glutamic acid 937 with glycine.
Molecular consequence: missense variant.
Genome position (GRCh38, 1-based): chr2:162,267,567, T>C on the plus strand (A>G on the coding strand, the complement: IFIH1 is on the minus strand). VCF-style: chr2-162267567-T-C. GRCh37 (hg19) VCF-style: chr2-163124077-T-C.
Other names: short protein forms E937G.
Identifiers: ClinVar variation 1983014 (VCV001983014.4), dbSNP rs1490297353, ClinGen allele CA348990164.

ClinVar aggregate classification (germline): Uncertain significance (1 of 4 stars; one submission).

Conditions:
Singleton-Merten syndrome 1 (SGMRT1). Also called: Widened medullary cavities of bone, aortic calcification, abnormal dentition, and muscular weakness; Syndrome of widened medullary cavities of the metacarpals and phalanges, aortic calcification and abnormal dentition. Identifiers: Orphanet 85191, MedGen C4225427, MONDO:0024535, OMIM 182250.
Aicardi-Goutieres syndrome 7 (AGS7). Identifiers: Orphanet 51, MedGen C3888244, MONDO:0014367, OMIM 615846.

Allele frequency attached by ClinVar (database versions not stated): gnomAD exomes below 0.00001; gnomAD 0.00001.
gnomAD v4.1: 5 of 1,594,900 alleles (0.00031%); highest among the groups gnomAD compares: South Asian, 0.0044%; no homozygotes.

Submission:

Labcorp Genetics (formerly Invitae), Labcorp
Classification: Uncertain significance for Aicardi-Goutieres syndrome 7; Singleton-Merten syndrome 1. Last evaluated: 2023-08-14. Review status: criteria provided, single submitter. Criteria: Invitae Variant Classification Sherloc (09022015). Collection method: clinical testing. Allele origin: germline.
Comment: In summary, the available evidence is currently insufficient to determine the role of this variant in disease. Therefore, it has been classified as a Variant of Uncertain Significance. Algorithms developed to predict the effect of missense changes on protein structure and function output the following: SIFT: "Not Available"; PolyPhen-2: "Benign"; Align-GVGD: "Not Available". The glycine amino acid residue is found in multiple mammalian species, which suggests that this missense change does not adversely affect protein function. ClinVar contains an entry for this variant (Variation ID: 1983014). This variant has not been reported in the literature in individuals affected with IFIH1-related conditions. The frequency data for this variant in the population databases is considered unreliable, as metrics indicate poor data quality at this position in the gnomAD database. This sequence change replaces glutamic acid, which is acidic and polar, with glycine, which is neutral and non-polar, at codon 937 of the IFIH1 protein (p.Glu937Gly).